The following is an entry in ClinVar:

NM_000218.3(KCNQ1):c.1354del (p.Arg452fs)

Gene: KCNQ1 (potassium voltage-gated channel subfamily Q member 1; plus strand). Cytogenetic location: 11p15.5.
Variant type: Deletion.
Coding change: c.1354del on transcript NM_000218.3 (MANE Select); coding-DNA position 1354, one base deleted (C; older notation c.1354delC).
Protein change: p.Arg452fs; shifts the reading frame from arginine 452.
Molecular consequence: frameshift variant.
Genome position (GRCh38, 1-based): chr11:2,588,815, C deleted. VCF-style (leftmost placement, unchanged base first): chr11-2588814-GC-G. GRCh37 (hg19) VCF-style: chr11-2610044-GC-G.
Other names: c.1258delC, p.Arg420Glyfs (NM_001406836.1); c.1084delC, p.Arg362Glyfs (NM_001406837.1); c.814delC, p.Arg272Glyfs (NM_001406838.1); c.973delC, p.Arg325Glyfs (NM_181798.2); short protein forms R325fs, R452fs.
Identifiers: ClinVar variation 1426804 (VCV001426804.9), dbSNP rs2133760795, ClinGen allele CA2573146072.

ClinVar aggregate classification (germline): Pathogenic. Review status: criteria provided, multiple submitters, no conflicts (2 of 4 stars). 2 submissions from 2 submitters: Pathogenic (2). Last evaluated 2025-04-22.

Conditions:
Cardiac arrhythmia. Also called: Cardiac rhythm disease; Arrhythmia. Identifiers: MedGen C0003811, MONDO:0007263, HP:0011675.
Long QT syndrome (LQTS). Identifiers: MedGen C0023976, MeSH D008133, MONDO:0002442. Disease mechanism: loss of function. Inheritance: Various modes of inheritance.

Submissions (2):

Labcorp Genetics (formerly Invitae), Labcorp
Classification: Pathogenic for Long QT syndrome. Last evaluated: 2025-04-22. Review status: criteria provided, single submitter. Criteria: Invitae Variant Classification Sherloc (09022015). Collection method: clinical testing. Allele origin: germline.
Comment: This sequence change creates a premature translational stop signal (p.Arg452Glyfs*14) in the KCNQ1 gene. It is expected to result in an absent or disrupted protein product. Loss-of-function variants in KCNQ1 are known to be pathogenic (PMID: 9323054, 19862833). This variant is not present in population databases (gnomAD no frequency). This variant has not been reported in the literature in individuals affected with KCNQ1-related conditions. ClinVar contains an entry for this variant (Variation ID: 1426804). For these reasons, this variant has been classified as Pathogenic.

Color Diagnostics, LLC DBA Color Health
Classification: Pathogenic for Cardiac arrhythmia. Last evaluated: 2023-11-20. Review status: criteria provided, single submitter. Criteria: ACMG Guidelines, 2015. Collection method: clinical testing. Allele origin: germline.
Comment: This variant deletes 1 nucleotide in exon 10 of the KCNQ1 gene, creating a frameshift and premature translation stop signal. This variant is expected to result in an absent or non-functional protein product. To our knowledge, this variant has not been reported in individuals affected with KCNQ1-related disorders in the literature. This variant has not been identified in the general population by the Genome Aggregation Database (gnomAD). Loss of KCNQ1 function is a known mechanism of disease. Based on the available evidence, this variant is classified as Pathogenic.

Literature cited by the submitters: PubMed 9323054 (cited by Labcorp Genetics (formerly Invitae), Labcorp); PubMed 19862833 (cited by Labcorp Genetics (formerly Invitae), Labcorp).